The following is an entry in ClinVar:

NM_000182.5(HADHA):c.1432del (p.Ala478fs)

Genes: GAREM2 (GRB2 associated regulator of MAPK1 subtype 2; plus strand), HADHA (hydroxyacyl-CoA dehydrogenase trifunctional multienzyme complex subunit alpha; minus strand). Cytogenetic location: 2p23.3.
Variant type: Deletion.
Coding change: c.1432del on transcript NM_000182.5 (MANE Select); coding-DNA position 1432, one base deleted (G; older notation c.1432delG).
Protein change: p.Ala478fs; shifts the reading frame from alanine 478.
Molecular consequence: frameshift variant.
Genome position (GRCh38, 1-based): chr2:26,197,738, C deleted on the plus strand (G on the coding strand, the reverse complement: HADHA is on the minus strand). VCF-style (leftmost placement, unchanged base first): chr2-26197737-GC-G. GRCh37 (hg19) VCF-style: chr2-26420606-GC-G.
Other names: short protein forms A478fs.
Identifiers: ClinVar variation 1726239 (VCV001726239.9), dbSNP rs1303177735, ClinGen allele CA767266976.

ClinVar aggregate classification (germline): Pathogenic/Likely pathogenic. Review status: criteria provided, multiple submitters, no conflicts (2 of 4 stars). 3 submissions from 3 submitters: Pathogenic (2); Likely pathogenic (1). Last evaluated 2025-11-03.

Conditions:
Long chain 3-hydroxyacyl-CoA dehydrogenase deficiency. Also called: LCHAD Deficiency; Deficiency of long-chain 3-hydroxyacyl-coenzyme A dehydrogenase. Identifiers: Orphanet 5, MedGen C3711645, MONDO:0012173, OMIM 609016.
Mitochondrial trifunctional protein deficiency. Identifiers: Orphanet 746, MedGen C1969443, MONDO:0012172.

Allele frequency attached by ClinVar (database versions not stated): gnomAD exomes below 0.00001; TOPMed 0.00001; gnomAD 0.00001.

Submissions (3):

Labcorp Genetics (formerly Invitae), Labcorp
Classification: Pathogenic for Mitochondrial trifunctional protein deficiency; Long chain 3-hydroxyacyl-CoA dehydrogenase deficiency. Last evaluated: 2025-11-03. Review status: criteria provided, single submitter. Criteria: Invitae Variant Classification Sherloc (09022015). Collection method: clinical testing. Allele origin: germline.
Comment: This sequence change creates a premature translational stop signal (p.Ala478Leufs*17) in the HADHA gene. It is expected to result in an absent or disrupted protein product. Loss-of-function variants in HADHA are known to be pathogenic (PMID: 7738175, 21103935, 21549624, 22459206). This variant is not present in population databases (gnomAD no frequency). This premature translational stop signal has been observed in individual(s) with mitochondrial trifunctional protein deficiency (PMID: 35383965). ClinVar contains an entry for this variant (Variation ID: 1726239). For these reasons, this variant has been classified as Pathogenic.

Baylor Genetics
Classification: Pathogenic for Long chain 3-hydroxyacyl-CoA dehydrogenase deficiency. Last evaluated: 2024-02-09. Review status: criteria provided, single submitter. Criteria: ACMG Guidelines, 2015. Collection method: clinical testing. Allele origin: unknown.

Myriad Genetics, Inc.
Classification: Likely pathogenic for Long chain 3-hydroxyacyl-CoA dehydrogenase deficiency. Last evaluated: 2022-05-30. Review status: criteria provided, single submitter. Criteria: Myriad Autosomal Dominant, Autosomal Recessive and X-Linked Classification Criteria (2023). Collection method: clinical testing. Allele origin: unknown.
Comment: NM_000182.4(HADHA):c.1432delG(A478Lfs*17) is expected to be pathogenic in the context of HADHA-related disorders. This variant is predicted to lead to an abnormal or absent protein product due to the creation of a premature termination codon in HADHA, a gene where loss-of-function variants are known to be pathogenic. Please note: this variant was assessed in the context of healthy population screening.

Literature cited by the submitters: PubMed 7738175 (cited by Labcorp Genetics (formerly Invitae), Labcorp); PubMed 21103935 (cited by Labcorp Genetics (formerly Invitae), Labcorp); PubMed 21549624 (cited by Labcorp Genetics (formerly Invitae), Labcorp); PubMed 22459206 (cited by Labcorp Genetics (formerly Invitae), Labcorp); PubMed 35383965 (cited by Labcorp Genetics (formerly Invitae), Labcorp).